The following is an entry in ClinVar:

NM_003476.5(CSRP3):c.481G>A (p.Asp161Asn)

Gene: CSRP3 (cysteine and glycine rich protein 3; minus strand). Cytogenetic location: 11p15.1.
Variant type: single nucleotide variant.
Coding change: c.481G>A on transcript NM_003476.5 (MANE Select); coding-DNA position 481, G replaced by A.
Protein change: p.Asp161Asn; replaces aspartic acid 161 with asparagine.
Molecular consequence: missense variant. On other transcripts: synonymous variant (1).
Genome position (GRCh38, 1-based): chr11:19,184,979, C>T on the plus strand (G>A on the coding strand, the complement: CSRP3 is on the minus strand). VCF-style: chr11-19184979-C-T. GRCh37 (hg19) VCF-style: chr11-19206526-C-T.
Other names: c.481G>A, p.Asp161Asn (NM_001127656.1); c.312G>A, p.Leu104= (NM_001369404.1); short protein forms D161N.
Identifiers: ClinVar variation 2939914 (VCV002939914.3), dbSNP rs138254181, ClinGen allele CA379887667.
Genomic context (GRCh38, chr11:19,184,979, plus strand): 5'-ACATATTTCAAGAAAGTCTCCAGAATCACTCACCTTTGCAATAAAGTTCCCCATCTTTGT[C>T]AGTGACATTTGTGGACTCCAGACTCTTCCCACAGATGGCACAGCGGAAACAGGTCTTGTG-3'
Protein context (NP_003467.1, residues 151-171): GKSLESTNVT[Asp161Asn]KDGELYCKVC

ClinVar aggregate classification (germline): Uncertain significance (1 of 4 stars; one submission).

Conditions:
Hypertrophic cardiomyopathy 12. Identifiers: MedGen C2677491, MONDO:0012804, OMIM 612124.
Dilated cardiomyopathy 1M (CMD1M). Identifiers: Orphanet 154, MedGen C1843808, MONDO:0011840, OMIM 607482.

Submission:

Labcorp Genetics (formerly Invitae), Labcorp
Classification: Uncertain significance for Hypertrophic cardiomyopathy 12; Dilated cardiomyopathy 1M. Last evaluated: 2023-09-03. Review status: criteria provided, single submitter. Criteria: Invitae Variant Classification Sherloc (09022015). Collection method: clinical testing. Allele origin: germline.
Comment: In summary, the available evidence is currently insufficient to determine the role of this variant in disease. Therefore, it has been classified as a Variant of Uncertain Significance. An algorithm developed to predict the effect of missense changes on protein structure and function (PolyPhen-2) suggests that this variant is likely to be disruptive. This variant has not been reported in the literature in individuals affected with CSRP3-related conditions. This variant is not present in population databases (gnomAD no frequency). This sequence change replaces aspartic acid, which is acidic and polar, with asparagine, which is neutral and polar, at codon 161 of the CSRP3 protein (p.Asp161Asn).